The following is an entry in ClinVar:

ClinVar aggregate classification (germline): Benign. Review status: criteria provided, multiple submitters, no conflicts (2 of 4 stars). 3 submissions from 3 submitters: Benign (3). Last evaluated 2026-01-21.

Allele frequency attached by ClinVar (database versions not stated): gnomAD exomes 0.00560; ExAC 0.00636; 1000 Genomes Project 0.01458; 1000 Genomes Project 30x 0.01546; ESP Exome Variant Server 0.01873; gnomAD 0.01997 and 0.02169; TOPMed 0.02374.
gnomAD v4.1: 6,612 of 1,614,014 alleles (0.41%); highest among the groups gnomAD compares: African/African-American, 6.7%; 207 homozygotes.

Submissions (3):

Labcorp Genetics (formerly Invitae), Labcorp
Classification: Benign. Last evaluated: 2026-01-21. Review status: criteria provided, single submitter. Criteria: Invitae Variant Classification Sherloc (09022015). Collection method: clinical testing. Allele origin: germline.

GeneDx
Classification: Benign. Last evaluated: 2017-11-01. Review status: criteria provided, single submitter. Criteria: GeneDx Variant Classification (06012015). Collection method: clinical testing. Allele origin: germline. Affected: yes.
Comment: This variant is considered likely benign or benign based on one or more of the following criteria: it is a conservative change, it occurs at a poorly conserved position in the protein, it is predicted to be benign by multiple in silico algorithms, and/or has population frequency not consistent with disease.

Laboratory for Molecular Medicine, Mass General Brigham Personalized Medicine
Classification: Benign. Last evaluated: 2017-08-23. Review status: criteria provided, single submitter. Criteria: LMM Criteria. Collection method: clinical testing. Allele origin: germline. Observed: 7 variant alleles.
Comment: p.Glu495Lys in exon 14 of FAM65B: This variant is not expected to have clinical significance because it has been identified in 6.60% (647/9796) of African chrom osomes by the Exome Aggregation Consortium (ExAC ; dbSNP rs35514577).

NM_001286445.3(RIPOR2):c.1420G>A (p.Glu474Lys)

Gene: RIPOR2 (RHO family interacting cell polarization regulator 2; minus strand). Cytogenetic location: 6p22.3.
Variant type: single nucleotide variant.
Coding change: c.1420G>A on transcript NM_001286445.3 (MANE Select); coding-DNA position 1420, G replaced by A.
Protein change: p.Glu474Lys; replaces glutamic acid 474 with lysine.
Molecular consequence: missense variant.
Genome position (GRCh38, 1-based): chr6:24,843,299, C>T on the plus strand (G>A on the coding strand, the complement: RIPOR2 is on the minus strand). VCF-style: chr6-24843299-C-T. GRCh37 (hg19) VCF-style: chr6-24843527-C-T.
Other names: c.1435G>A, p.Glu479Lys (NM_001286446.3); c.1333G>A, p.Glu445Lys (NM_001286447.2, NM_001346031.2, NM_001346032.2 and 1 more transcripts); c.1483G>A, p.Glu495Lys (NM_014722.5); short protein forms E495K, E474K, E479K, E445K.
Identifiers: ClinVar variation 508611 (VCV000508611.15), dbSNP rs35514577, ClinGen allele CA3659255.